The following is an entry in ClinVar:

NM_206933.4(USH2A):c.13102A>C (p.Ser4368Arg)

Gene: USH2A (usherin; minus strand). Cytogenetic location: 1q41.
Variant type: single nucleotide variant.
Coding change: c.13102A>C on transcript NM_206933.4 (MANE Select); coding-DNA position 13102, A replaced by C.
Protein change: p.Ser4368Arg; replaces serine 4368 with arginine.
Molecular consequence: missense variant.
Genome position (GRCh38, 1-based): chr1:215,674,809, T>G on the plus strand (A>C on the coding strand, the complement: USH2A is on the minus strand). VCF-style: chr1-215674809-T-G. GRCh37 (hg19) VCF-style: chr1-215848151-T-G.
Other names: short protein forms S4368R.
Identifiers: ClinVar variation 2108287 (VCV002108287.1), dbSNP rs2464897043, ClinGen allele CA344846587.

ClinVar aggregate classification (germline): Uncertain significance (1 of 4 stars; one submission).

Submission:

Labcorp Genetics (formerly Invitae), Labcorp
Classification: Uncertain significance. Last evaluated: 2022-03-10. Review status: criteria provided, single submitter. Criteria: Invitae Variant Classification Sherloc (09022015). Collection method: clinical testing. Allele origin: germline.
Comment: This sequence change replaces serine, which is neutral and polar, with arginine, which is basic and polar, at codon 4368 of the USH2A protein (p.Ser4368Arg). This variant is not present in population databases (gnomAD no frequency). This variant has not been reported in the literature in individuals affected with USH2A-related conditions. Algorithms developed to predict the effect of missense changes on protein structure and function (SIFT, PolyPhen-2, Align-GVGD) all suggest that this variant is likely to be disruptive. In summary, the available evidence is currently insufficient to determine the role of this variant in disease. Therefore, it has been classified as a Variant of Uncertain Significance.